The following is an entry in ClinVar:

NM_001005180.3(OR56B1):c.680A>G (p.Tyr227Cys)

Genes: OR52N4 (olfactory receptor family 52 subfamily N member 4; plus strand), OR56B1 (olfactory receptor family 56 subfamily B member 1; plus strand). Cytogenetic location: 11p15.4.
Variant type: single nucleotide variant.
Coding change: c.680A>G on transcript NM_001005180.3 (MANE Select); coding-DNA position 680, A replaced by G.
Protein change: p.Tyr227Cys; replaces tyrosine 227 with cysteine.
Molecular consequence: missense variant.
Genome position (GRCh38, 1-based): chr11:5,737,196, A>G. VCF-style: chr11-5737196-A-G. GRCh37 (hg19) VCF-style: chr11-5758426-A-G.
Other names: short protein forms Y227C.
Identifiers: ClinVar variation 3896032 (VCV003896032.1).
Genomic context (GRCh38, chr11:5,737,196, plus strand): 5'-GCCAGTTGGTTCTGGCATGGCTTGGAATGGGGAGTGATCTAAGTCTTATTATACTGTCAT[A>G]TATTTTGATTCTGTACTCTGTACTTAGACTGAACTCAGCTGAAGCTGCAGCCAAGGCCCT-3'
Protein context (NP_001005180.1, residues 217-237): GSDLSLIILS[Tyr227Cys]ILILYSVLRL

ClinVar aggregate classification (germline): Uncertain significance (1 of 4 stars; one submission).

Submission:

Women's Health and Genetics/Laboratory Corporation of America, LabCorp
Classification: Uncertain significance. Last evaluated: 2025-03-21. Review status: criteria provided, single submitter. Criteria: LabCorp Variant Classification Summary - May 2015. Collection method: clinical testing. Allele origin: germline.
Comment: Variant summary: OR56B1 c.680A>G (p.Tyr227Cys) results in a non-conservative amino acid change in the encoded protein sequence. Four of five in-silico tools predict a damaging effect of the variant on protein function. The variant was absent in 250872 control chromosomes. The available data on variant occurrences in the general population are insufficient to allow any conclusion about variant significance. To our knowledge, no occurrence of c.680A>G in individuals affected with OR56B1-Related Disorders and no experimental evidence demonstrating its impact on protein function have been reported. No submitters have cited clinical-significance assessments for this variant to ClinVar. Based on the evidence outlined above, the variant was classified as uncertain significance.